The following is an entry in ClinVar:

ClinVar aggregate classification (germline): Uncertain significance (1 of 4 stars; one submission).

Conditions:
Duchenne muscular dystrophy (DMD). Also called: MUSCULAR DYSTROPHY, PSEUDOHYPERTROPHIC PROGRESSIVE, DUCHENNE TYPE; Duchenne Muscular Dystrophy (DMD). Identifiers: Orphanet 98896, MedGen C0013264, MONDO:0010679, OMIM 310200.

Submission:

Labcorp Genetics (formerly Invitae), Labcorp
Classification: Uncertain significance for Duchenne muscular dystrophy. Last evaluated: 2025-02-17. Review status: criteria provided, single submitter. Criteria: Invitae Variant Classification Sherloc (09022015). Collection method: clinical testing. Allele origin: germline.
Comment: This sequence change falls in intron 68 of the DMD gene. It does not directly change the encoded amino acid sequence of the DMD protein. It affects a nucleotide within the consensus splice site. This variant is not present in population databases (gnomAD no frequency). This variant has not been reported in the literature in individuals affected with DMD-related conditions. ClinVar contains an entry for this variant (Variation ID: 2877680). Variants that disrupt the consensus splice site are a relatively common cause of aberrant splicing (PMID: 17576681, 9536098). Algorithms developed to predict the effect of sequence changes on RNA splicing suggest that this variant is not likely to affect RNA splicing. In summary, the available evidence is currently insufficient to determine the role of this variant in disease. Therefore, it has been classified as a Variant of Uncertain Significance.

Literature cited by the submitters: PubMed 17576681; PubMed 9536098.

NM_004006.3(DMD):c.9974+5T>C

Gene: DMD (dystrophin; minus strand). Cytogenetic location: Xp21.2.
Variant type: single nucleotide variant.
Coding change: c.9974+5T>C on transcript NM_004006.3 (MANE Select); 5 bases into the intron after coding-DNA position 9974, T replaced by C.
Molecular consequence: intron variant.
Genome position (GRCh38, 1-based): chrX:31,182,733, A>G on the plus strand (T>C on the coding strand, the complement: DMD is on the minus strand). VCF-style: chrX-31182733-A-G. GRCh37 (hg19) VCF-style: chrX-31200850-A-G.
Other names: c.9950+5T>C (NM_000109.4); c.5951+5T>C (NM_004011.4); c.5942+5T>C (NM_004012.4); c.2594+5T>C (NM_004023.3, NM_004020.4, NM_004022.3 and 2 more transcripts); c.1787+5T>C (NM_004014.3); c.770+5T>C (NM_004018.3, NM_004017.3, NM_004016.3 and 2 more transcripts); c.9962+5T>C (NM_004009.3); c.9605+5T>C (NM_004010.3).
Identifiers: ClinVar variation 2877680 (VCV002877680.3), dbSNP rs2520020557, ClinGen allele CA2739268158.